The following is an entry in ClinVar:

ClinVar aggregate classification (germline): Conflicting classifications of pathogenicity. Review status: criteria provided, conflicting classifications (1 of 4 stars). 4 submissions from 4 submitters: Likely pathogenic (1); Uncertain significance (3). Last evaluated 2024-05-01.

Conditions:
COL11A1-related disorder. Also called: COL11A1-related disorders; COL11A1-related condition.

Submissions (4):

CeGaT Center for Human Genetics Tuebingen
Classification: Uncertain significance. Last evaluated: 2024-05-01. Review status: criteria provided, single submitter. Criteria: CeGaT Center For Human Genetics Tuebingen Variant Classification Criteria Version 2. Collection method: clinical testing. Allele origin: germline. Affected: yes. Observed: 2 variant alleles.
Comment: COL11A1: PM2, PP3, PS4:Supporting

Labcorp Genetics (formerly Invitae), Labcorp
Classification: Uncertain significance. Last evaluated: 2022-07-26. Review status: criteria provided, single submitter. Criteria: Invitae Variant Classification Sherloc (09022015). Collection method: clinical testing. Allele origin: germline.
Comment: This sequence change replaces arginine, which is basic and polar, with cysteine, which is neutral and slightly polar, at codon 1076 of the COL11A1 protein (p.Arg1076Cys). This variant is not present in population databases (gnomAD no frequency). This missense change has been observed in individual(s) with Stickler syndrome (PMID: 25240749). ClinVar contains an entry for this variant (Variation ID: 1253834). Advanced modeling of protein sequence and biophysical properties (such as structural, functional, and spatial information, amino acid conservation, physicochemical variation, residue mobility, and thermodynamic stability) performed at Invitae indicates that this missense variant is not expected to disrupt COL11A1 protein function. Algorithms developed to predict the effect of sequence changes on RNA splicing suggest that this variant may create or strengthen a splice site. In summary, the available evidence is currently insufficient to determine the role of this variant in disease. Therefore, it has been classified as a Variant of Uncertain Significance.

Blueprint Genetics
Classification: Likely pathogenic for COL11A1-related disorders. Last evaluated: 2021-08-27. Review status: criteria provided, single submitter. Criteria: ACMG Guidelines, 2015. Collection method: clinical testing. Allele origin: germline. Affected: yes. Observed: 1 variant allele.

GeneDx
Classification: Uncertain significance. Last evaluated: 2021-08-27. Review status: criteria provided, single submitter. Criteria: GeneDx Variant Classification Process June 2021. Collection method: clinical testing. Allele origin: germline. Affected: yes.
Comment: Not observed at significant frequency in large population cohorts (Lek et al., 2016); In silico analysis supports that this missense variant has a deleterious effect on protein structure/function; This variant is associated with the following publications: (PMID: 25240749)

Literature cited by the submitters: PubMed 25240749 (cited by Labcorp Genetics (formerly Invitae), Labcorp).

NM_001854.4(COL11A1):c.3226C>T (p.Arg1076Cys)

Gene: COL11A1 (collagen type XI alpha 1 chain; minus strand). Cytogenetic location: 1p21.1.
Variant type: single nucleotide variant.
Coding change: c.3226C>T on transcript NM_001854.4 (MANE Select); coding-DNA position 3226, C replaced by T.
Protein change: p.Arg1076Cys; replaces arginine 1076 with cysteine.
Molecular consequence: missense variant. On other transcripts: non-coding transcript variant (1).
Genome position (GRCh38, 1-based): chr1:102,946,899, G>A on the plus strand (C>T on the coding strand, the complement: COL11A1 is on the minus strand). VCF-style: chr1-102946899-G-A. GRCh37 (hg19) VCF-style: chr1-103412455-G-A.
Other names: c.3109C>T, p.Arg1037Cys (NM_001190709.2); c.3262C>T, p.Arg1088Cys (NM_080629.3); c.2878C>T, p.Arg960Cys (NM_080630.4); short protein forms R1037C, R1076C, R1088C, R960C.
Identifiers: ClinVar variation 1253834 (VCV001253834.30), dbSNP rs1659348330, ClinGen allele CA341171106.